The following is an entry in ClinVar:

NM_000492.4(CFTR):c.4331C>T (p.Ser1444Phe)

Genes: CFTR (CF transmembrane conductance regulator; plus strand), LOC111674477 (CFTR intron 23 enhancer; plus strand). Cytogenetic location: 7q31.2.
Variant type: single nucleotide variant.
Coding change: c.4331C>T on transcript NM_000492.4 (MANE Select); coding-DNA position 4331, C replaced by T.
Protein change: p.Ser1444Phe; replaces serine 1444 with phenylalanine.
Molecular consequence: missense variant.
Genome position (GRCh38, 1-based): chr7:117,666,996, C>T. VCF-style: chr7-117666996-C-T. GRCh37 (hg19) VCF-style: chr7-117307050-C-T.
Other names: short protein forms S1444F.
Identifiers: ClinVar variation 1739793 (VCV001739793.3), dbSNP rs755388886, ClinGen allele CA4451693.

ClinVar aggregate classification (germline): Uncertain significance (1 of 4 stars; one submission).

Conditions:
Cystic fibrosis (CF). Also called: MUCOVISCIDOSIS. Identifiers: Orphanet 586, MedGen C0010674, MONDO:0009061, OMIM 219700. Disease mechanism: loss of function.

Allele frequency attached by ClinVar (database versions not stated): TOPMed below 0.00001; ExAC 0.00001; gnomAD 0.00002; gnomAD exomes below 0.00001.
gnomAD v4.1: 8 of 1,613,926 alleles (0.0005%); highest among the groups gnomAD compares: Non-Finnish European, 0.00068%; no homozygotes.

Submission:

Ambry Genetics
Classification: Uncertain significance for Cystic fibrosis. Last evaluated: 2023-06-09. Review status: criteria provided, single submitter. Criteria: Ambry Variant Classification Scheme 2023. Collection method: clinical testing. Allele origin: germline.
Comment: The p.S1444F variant (also known as c.4331C>T), located in coding exon 27 of the CFTR gene, results from a C to T substitution at nucleotide position 4331. The serine at codon 1444 is replaced by phenylalanine, an amino acid with highly dissimilar properties. This alteration was detected once in a cohort of men with non-obstructive azoospermia or severe oligozoospermia (Oud MS et al. Hum. Mutat., 2017 11;38:1592-1605). This amino acid position is not well conserved in available vertebrate species. In addition, the in silico prediction for this alteration is inconclusive. Since supporting evidence is limited at this time, the clinical significance of this alteration remains unclear.

Literature cited by the submitters: PubMed 28801929.